The following is an entry in ClinVar:

ClinVar aggregate classification (germline): Uncertain significance. Review status: criteria provided, multiple submitters, no conflicts (2 of 4 stars). 4 submissions from 4 submitters: Uncertain significance (4). Last evaluated 2025-06-09.

Conditions:
FANCM-related disorder. Also called: FANCM-related condition.
Fanconi anemia (FA). Also called: Fanconi's anemia. Identifiers: Orphanet 84, MedGen C0015625, MeSH D005199, MONDO:0019391.

Allele frequency attached by ClinVar (database versions not stated): gnomAD 0.00001; gnomAD exomes 0.00001; TOPMed 0.00001; ExAC 0.00002.
gnomAD v4.1: 24 of 1,614,058 alleles (0.0015%); highest among the groups gnomAD compares: Non-Finnish European, 0.002%; no homozygotes.

Submissions (4):

PreventionGenetics, part of Exact Sciences
Classification: Uncertain significance for FANCM-related condition. Last evaluated: 2025-06-09. Review status: criteria provided, single submitter. Criteria: ACMG Guidelines, 2015. Collection method: clinical testing. Allele origin: germline.
Comment: The FANCM c.119C>G variant is predicted to result in the amino acid substitution p.Ala40Gly. To our knowledge, this variant has not been reported in the literature. This variant is reported in 0.0026% of alleles in individuals of European (Non-Finnish) descent in gnomAD. This variant is not reported in ClinVar. At this time, the clinical significance of this variant is uncertain due to the absence of conclusive functional and genetic evidence.

Quest Diagnostics Nichols Institute San Juan Capistrano
Classification: Uncertain significance. Last evaluated: 2024-07-03. Review status: criteria provided, single submitter. Criteria: Quest Diagnostics criteria. Collection method: clinical testing. Allele origin: unknown.
Comment: The FANCM c.119C>G (p.Ala40Gly) variant has been reported in the published literature in an individual affected with ovarian cancer as well as reportedly healthy individual (PMID: 28881617 (2017)). The frequency of this variant in the general population, 0.000026 (3/113588 chromosomes (Genome Aggregation Database)), is uninformative in the assessment of its pathogenicity. Analysis of this variant using bioinformatics tools for the prediction of the effect of amino acid changes on protein structure and function yielded predictions that this variant is benign. Based on the available information, we are unable to determine the clinical significance of this variant.

GeneDx
Classification: Uncertain significance. Last evaluated: 2023-05-04. Review status: criteria provided, single submitter. Criteria: GeneDx Variant Classification Process June 2021. Collection method: clinical testing. Allele origin: germline. Affected: yes.
Comment: Not observed at a significant frequency in large population cohorts (gnomAD); In silico analysis supports that this missense variant does not alter protein structure/function; Has not been previously published as pathogenic or benign to our knowledge

Labcorp Genetics (formerly Invitae), Labcorp
Classification: Uncertain significance for Fanconi anemia. Last evaluated: 2023-03-24. Review status: criteria provided, single submitter. Criteria: Invitae Variant Classification Sherloc (09022015). Collection method: clinical testing. Allele origin: germline.
Comment: This sequence change replaces alanine, which is neutral and non-polar, with glycine, which is neutral and non-polar, at codon 40 of the FANCM protein (p.Ala40Gly). This variant is present in population databases (rs750184645, gnomAD 0.003%). In summary, the available evidence is currently insufficient to determine the role of this variant in disease. Therefore, it has been classified as a Variant of Uncertain Significance. An algorithm developed to predict the effect of missense changes on protein structure and function (PolyPhen-2) suggests that this variant¬† is likely to be tolerated. ClinVar contains an entry for this variant (Variation ID: 1205354). This variant has not been reported in the literature in individuals affected with FANCM-related conditions.

Literature cited by the submitters: PubMed 28881617 (cited by Quest Diagnostics Nichols Institute San Juan Capistrano).

NM_020937.4(FANCM):c.119C>G (p.Ala40Gly)

Gene: FANCM (FA complementation group M; plus strand). Cytogenetic location: 14q21.2.
Variant type: single nucleotide variant.
Coding change: c.119C>G on transcript NM_020937.4 (MANE Select); coding-DNA position 119, C replaced by G.
Protein change: p.Ala40Gly; replaces alanine 40 with glycine.
Molecular consequence: missense variant.
Genome position (GRCh38, 1-based): chr14:45,136,150, C>G. VCF-style: chr14-45136150-C-G. GRCh37 (hg19) VCF-style: chr14-45605353-C-G.
Other names: c.119C>G, p.Ala40Gly (NM_001308133.2, NM_001308134.2); c.119C>G (NM_020937.3); short protein forms A40G.
Identifiers: ClinVar variation 1205354 (VCV001205354.14), dbSNP rs750184645, ClinGen allele CA7168702.
Genomic context (GRCh38, chr14:45,136,150, plus strand): 5'-CTGGGACTCCGGGTTGCAGCTCCGGAACTGAGCGACCTCAGAGCCCTGGCAGCTCCAAGG[C>G]GCCTTTGCCAGCAGCAGCGGAGGCTCAGCTGGAGTCGGACGATGATGTGTTGCTTGTCGC-3'
Protein context (NP_065988.1, residues 30-50): ERPQSPGSSK[Ala40Gly]PLPAAAEAQL